The following is an entry in ClinVar:

ClinVar aggregate classification (germline): Uncertain significance (1 of 4 stars; one submission).

Allele frequency attached by ClinVar (database versions not stated): gnomAD exomes below 0.00001; TOPMed below 0.00001; ExAC 0.00001; gnomAD 0.00001.
gnomAD v4.1: 2 of 1,613,708 alleles (0.00012%); highest among the groups gnomAD compares: Admixed American, 0.0017%; no homozygotes.

Submission:

Women's Health and Genetics/Laboratory Corporation of America, LabCorp
Classification: Uncertain significance. Last evaluated: 2024-04-19. Review status: criteria provided, single submitter. Criteria: LabCorp Variant Classification Summary - May 2015. Collection method: clinical testing. Allele origin: germline.
Comment: Variant summary: WAC c.455C>T (p.Thr152Ile) results in a non-conservative amino acid change located in the WW domain (IPR001202) of the encoded protein sequence. Five of five in-silico tools predict a damaging effect of the variant on protein function. The variant allele was found at a frequency of 4e-06 in 251224 control chromosomes. The available data on variant occurrences in the general population are insufficient to allow any conclusion about variant significance. To our knowledge, no occurrence of c.455C>T in individuals affected with Desanto-Shinawi Syndrome and no experimental evidence demonstrating its impact on protein function have been reported. No submitters have cited clinical-significance assessments for this variant to ClinVar. Based on the evidence outlined above, the variant was classified as uncertain significance.

NM_016628.5(WAC):c.455C>T (p.Thr152Ile)

Gene: WAC (WW domain containing adaptor with coiled-coil; plus strand). Cytogenetic location: 10p12.1.
Variant type: single nucleotide variant.
Coding change: c.455C>T on transcript NM_016628.5 (MANE Select); coding-DNA position 455, C replaced by T.
Protein change: p.Thr152Ile; replaces threonine 152 with isoleucine.
Molecular consequence: missense variant.
Genome position (GRCh38, 1-based): chr10:28,589,809, C>T. VCF-style: chr10-28589809-C-T. GRCh37 (hg19) VCF-style: chr10-28878738-C-T.
Other names: c.320C>T, p.Thr107Ile (NM_100264.3); c.455C>T, p.Thr152Ile (NM_100486.4); short protein forms T107I, T152I.
Identifiers: ClinVar variation 3251853 (VCV003251853.1), dbSNP rs751861979.